The following is an entry in ClinVar:

NM_000257.4(MYH7):c.4954-5C>T

Genes: MHRT (myosin heavy chain associated RNA transcript; plus strand), MYH7 (myosin heavy chain 7; minus strand), LOC126861897 (BRD4-independent group 4 enhancer GRCh37_chr14:23884455-23885654; plus strand). Cytogenetic location: 14q11.2.
Variant type: single nucleotide variant.
Coding change: c.4954-5C>T on transcript NM_000257.4 (MANE Select); 5 bases into the intron before coding-DNA position 4954, C replaced by T.
Molecular consequence: intron variant.
Genome position (GRCh38, 1-based): chr14:23,415,837, G>A on the plus strand (C>T on the coding strand, the complement: MYH7 is on the minus strand). VCF-style: chr14-23415837-G-A. GRCh37 (hg19) VCF-style: chr14-23885046-G-A.
Identifiers: ClinVar variation 927310 (VCV000927310.15), dbSNP rs962469283, ClinGen allele CA257810106.

ClinVar aggregate classification (germline): Conflicting classifications of pathogenicity. Review status: criteria provided, conflicting classifications (1 of 4 stars). 5 submissions from 5 submitters: Uncertain significance (1); Likely benign (2). 2 of the submissions do not count toward it. Last evaluated 2025-12-10.

Conditions:
Cardiovascular phenotype. Identifiers: MedGen CN230736.
Cardiomyopathy (CMYO). Also called: Cardiomyopathies. Identifiers: Orphanet 167848, MedGen C0878544, MONDO:0004994, HP:0001638. Inheritance: Various modes of inheritance.
Hypertrophic cardiomyopathy. Also called: HYPERTROPHIC MYOCARDIOPATHY. Identifiers: Orphanet 217569, MedGen C0007194, MeSH D002312, MONDO:0005045, HP:0001639.

gnomAD v4.1: 4 of 1,614,230 alleles (0.00025%); highest among the groups gnomAD compares: Non-Finnish European, 0.00034%; no homozygotes.

Submissions (5):

Labcorp Genetics (formerly Invitae), Labcorp
Classification: Likely benign for Hypertrophic cardiomyopathy. Last evaluated: 2025-12-10. Review status: criteria provided, single submitter. Criteria: Invitae Variant Classification Sherloc (09022015). Collection method: clinical testing. Allele origin: germline.

Ambry Genetics
Classification: Uncertain significance for Cardiovascular phenotype. Last evaluated: 2025-07-11. Review status: criteria provided, single submitter. Criteria: Ambry Variant Classification Scheme 2023. Collection method: clinical testing. Allele origin: germline.
Comment: The c.4954-5C>T intronic variant results from a C to T substitution 5 nucleotides upstream from coding exon 33 in the MYH7 gene. This nucleotide position is well conserved in available vertebrate species. In silico splice site analysis predicts that this alteration will not have any significant effect on splicing. Based on the available evidence, the clinical significance of this variant remains unclear.

Color Diagnostics, LLC DBA Color Health
Classification: Likely benign for Cardiomyopathy. Last evaluated: 2018-11-16. Review status: criteria provided, single submitter. Criteria: ACMG Guidelines, 2015. Collection method: clinical testing. Allele origin: germline.

Clinical Genetics, Academic Medical Center
Classification: Benign. Review status: no assertion criteria provided. Collection method: clinical testing. Allele origin: germline. Affected: yes. Study: VKGL Data-share Consensus. Not counted in ClinVar's aggregate classification.

Diagnostic Laboratory, Department of Genetics, University Medical Center Groningen
Classification: Likely benign. Review status: no assertion criteria provided. Collection method: clinical testing. Allele origin: germline. Affected: yes. Study: VKGL Data-share Consensus. Not counted in ClinVar's aggregate classification.